The following is an entry in ClinVar:

ClinVar aggregate classification (germline): Likely benign (0 of 4 stars; one submission).

Conditions:
MED12L-related disorder. Also called: MED12L-related condition.

Allele frequency attached by ClinVar (database versions not stated): ESP Exome Variant Server 0.00008; ExAC 0.00078; 1000 Genomes Project 0.00120; 1000 Genomes Project 30x 0.00125.
gnomAD v4.1: 435 of 1,614,066 alleles (0.027%); highest among the groups gnomAD compares: South Asian, 0.44%; 6 homozygotes.

Submission:

PreventionGenetics, part of Exact Sciences
Classification: Likely benign for MED12L-related condition. Last evaluated: 2021-02-03. Review status: no assertion criteria provided. Collection method: clinical testing. Allele origin: germline.
Comment: This variant is classified as likely benign based on ACMG/AMP sequence variant interpretation guidelines (Richards et al. 2015 PMID: 25741868, with internal and published modifications).

NM_001393769.1(MED12L):c.6275G>A (p.Arg2092Gln)

Gene: MED12L (mediator complex subunit 12L; plus strand). Cytogenetic location: 3q25.1.
Variant type: single nucleotide variant.
Coding change: c.6275G>A on transcript NM_001393769.1 (MANE Select); coding-DNA position 6275, G replaced by A.
Protein change: p.Arg2092Gln; replaces arginine 2092 with glutamine.
Molecular consequence: missense variant.
Genome position (GRCh38, 1-based): chr3:151,413,273, G>A. VCF-style: chr3-151413273-G-A. GRCh37 (hg19) VCF-style: chr3-151131061-G-A.
Other names: c.6170G>A, p.Arg2057Gln (NM_053002.6); short protein forms R2057Q, R2092Q.
Identifiers: ClinVar variation 3047995 (VCV003047995.2), dbSNP rs139235145, ClinGen allele CA2669014.